The following is an entry in ClinVar:

NM_021942.6(TRAPPC11):c.145G>C (p.Val49Leu)

Gene: TRAPPC11 (trafficking protein particle complex subunit 11; plus strand). Cytogenetic location: 4q35.1.
Variant type: single nucleotide variant.
Coding change: c.145G>C on transcript NM_021942.6 (MANE Select); coding-DNA position 145, G replaced by C.
Protein change: p.Val49Leu; replaces valine 49 with leucine.
Molecular consequence: missense variant.
Genome position (GRCh38, 1-based): chr4:183,664,012, G>C. VCF-style: chr4-183664012-G-C. GRCh37 (hg19) VCF-style: chr4-184585165-G-C.
Other names: p.Val49Leu; c.145G>C, p.Val49Leu (NM_199053.3); short protein forms V49L.
Identifiers: ClinVar variation 261442 (VCV000261442.41), dbSNP rs141909783, ClinGen allele CA3151491.

ClinVar aggregate classification (germline): Benign. Review status: criteria provided, multiple submitters, no conflicts (2 of 4 stars). 9 submissions from 9 submitters: Benign (7). 2 of the submissions do not count toward it. Last evaluated 2026-09-01.

Conditions:
Autosomal recessive limb-girdle muscular dystrophy type R18 (LGMDR18). Also called: Autosomal recessive limb-girdle muscular dystrophy type 2S; MUSCULAR DYSTROPHY, LIMB-GIRDLE, AUTOSOMAL RECESSIVE 18; Limb-girdle muscular dystrophy, type 2S. Identifiers: Orphanet 369840, MedGen C4517996, MONDO:0014144, OMIM 615356.

Allele frequency attached by ClinVar (database versions not stated): TOPMed 0.00869; gnomAD 0.00888 and 0.00999; ESP Exome Variant Server 0.00961; 1000 Genomes Project 30x 0.01171; 1000 Genomes Project 0.01238; gnomAD exomes 0.01396; ExAC 0.01427.
gnomAD v4.1: 21,781 of 1,613,882 alleles (1.3%); highest among the groups gnomAD compares: South Asian, 4.1%; 233 homozygotes.

Submissions (9):

CeGaT Center for Human Genetics Tuebingen
Classification: Benign. Last evaluated: 2026-09-01. Review status: criteria provided, single submitter. Criteria: CeGaT Center For Human Genetics Tuebingen Variant Classification Criteria Version 2. Collection method: clinical testing. Allele origin: germline. Affected: yes. Observed: 32 variant alleles.
Comment: TRAPPC11: BS1, BS2

Labcorp Genetics (formerly Invitae), Labcorp
Classification: Benign for Autosomal recessive limb-girdle muscular dystrophy type R18. Last evaluated: 2026-02-04. Review status: criteria provided, single submitter. Criteria: Invitae Variant Classification Sherloc (09022015). Collection method: clinical testing. Allele origin: germline.

GeneDx
Classification: Benign. Last evaluated: 2019-08-27. Review status: criteria provided, single submitter. Criteria: GeneDx Variant Classification Process June 2021. Collection method: clinical testing. Allele origin: germline. Affected: yes.

Athena Diagnostics
Classification: Benign. Last evaluated: 2019-06-06. Review status: criteria provided, single submitter. Criteria: Athena Diagnostics Criteria. Collection method: clinical testing. Allele origin: germline.

Mayo Clinic Laboratories, Mayo Clinic
Classification: Benign. Last evaluated: 2018-01-15. Review status: criteria provided, single submitter. Criteria: ACMG Guidelines, 2015. Collection method: clinical testing. Allele origin: germline. Observed: 30 variant alleles.

Breakthrough Genomics
Classification: Benign. Review status: criteria provided, single submitter. Criteria: ACMG Guidelines, 2015. Collection method: not provided. Allele origin: germline. Inheritance: Autosomal recessive inheritance. Affected: yes.

PreventionGenetics, part of Exact Sciences
Classification: Benign. Review status: criteria provided, single submitter. Criteria: ACMG Guidelines, 2015. Collection method: clinical testing. Allele origin: germline.

Clinical Genetics, Academic Medical Center
Classification: Likely benign. Review status: no assertion criteria provided. Collection method: clinical testing. Allele origin: germline. Affected: yes. Study: VKGL Data-share Consensus. Not counted in ClinVar's aggregate classification.

Laboratory of Diagnostic Genome Analysis, Leiden University Medical Center (LUMC)
Classification: Likely benign. Review status: no assertion criteria provided. Collection method: clinical testing. Allele origin: germline. Affected: yes. Study: VKGL Data-share Consensus. Not counted in ClinVar's aggregate classification.

Literature cited by the submitters: PubMed 28482373 (cited by Athena Diagnostics).